The following is an entry in ClinVar:

NM_000548.5(TSC2):c.5260-20_5260-6del

Gene: TSC2 (TSC complex subunit 2; plus strand). Cytogenetic location: 16p13.3.
Variant type: Deletion.
Coding change: c.5260-20_5260-6del on transcript NM_000548.5 (MANE Select); 20 bases into the intron before coding-DNA position 5260 through 6 bases into the intron before coding-DNA position 5260, 15 bases deleted (CAAGCCGCCTCTGCC).
Molecular consequence: intron variant.
Genome position (GRCh38, 1-based): chr16:2,088,426-2,088,440, CAAGCCGCCTCTGCC deleted; deleting any 15 consecutive bases within chr16:2,088,421-2,088,440 gives the same sequence; the c. name uses the placement nearest the transcript's 3' end. VCF-style (leftmost placement, unchanged base first): chr16-2088420-ACTGCCCAAGCCGCCT-A. GRCh37 (hg19) VCF-style: chr16-2138421-ACTGCCCAAGCCGCCT-A.
Other names: c.3718-20_3718-6del (NM_001406693.1, NM_001406692.1, NM_001406694.1); c.5152-20_5152-6del (NM_001406667.1); c.5149-20_5149-6del (NM_001406668.1); c.4660-20_4660-6del (NM_001406680.1); c.4591-20_4591-6del (NM_001406683.1, NM_001406682.1); c.4459-20_4459-6del (NM_001406687.1, NM_001406688.1); c.3847-20_3847-6del (NM_001406689.1); c.3787-20_3787-6del (NM_001406690.1); and 27 more.
Identifiers: ClinVar variation 3361876 (VCV003361876.1).

ClinVar aggregate classification (germline): Uncertain significance (1 of 4 stars; one submission).

Submission:

GeneDx
Classification: Uncertain significance. Last evaluated: 2023-08-01. Review status: criteria provided, single submitter. Criteria: GeneDx Variant Classification Process June 2021. Collection method: clinical testing. Allele origin: germline. Affected: yes.
Comment: Not observed at significant frequency in large population cohorts (gnomAD); Has not been previously published as pathogenic or benign to our knowledge; In silico analysis suggests this variant may impact gene splicing. In the absence of RNA/functional studies, the actual effect of this sequence change is unknown.